The following is an entry in ClinVar:

ClinVar aggregate classification (germline): Likely benign (1 of 4 stars; one submission).

Allele frequency attached by ClinVar (database versions not stated): 1000 Genomes Project 0.00220; 1000 Genomes Project 30x 0.00234; TOPMed 0.00296; ESP Exome Variant Server 0.00385; gnomAD 0.00449; gnomAD exomes 0.00496; ExAC 0.00504.

Submission:

CeGaT Center for Human Genetics Tuebingen
Classification: Likely benign. Last evaluated: 2023-01-01. Review status: criteria provided, single submitter. Criteria: CeGaT Center For Human Genetics Tuebingen Variant Classification Criteria Version 2. Collection method: clinical testing. Allele origin: germline. Affected: yes. Observed: 1 variant allele.
Comment: TSNARE1: BP4, BP7

NM_145003.5(TSNARE1):c.795G>A (p.Ser265=)

Gene: TSNARE1 (t-SNARE domain containing 1; minus strand). Cytogenetic location: 8q24.3.
Variant type: single nucleotide variant.
Coding change: c.795G>A on transcript NM_145003.5 (MANE Select); coding-DNA position 795, G replaced by A.
Protein change: p.Ser265=; no amino-acid change (serine 265 retained).
Molecular consequence: synonymous variant.
Genome position (GRCh38, 1-based): chr8:142,331,782, C>T on the plus strand (G>A on the coding strand, the complement: TSNARE1 is on the minus strand). VCF-style: chr8-142331782-C-T. GRCh37 (hg19) VCF-style: chr8-143413143-C-T.
Other names: c.138G>A, p.Ser46= (NM_001291931.2); c.795G>A, p.Ser265= (NM_001363740.2, NM_001366901.1, NM_001366902.1 and 2 more transcripts).
Identifiers: ClinVar variation 2658879 (VCV002658879.24), dbSNP rs147034875, ClinGen allele CA4901207.